The following is an entry in ClinVar:

ClinVar aggregate classification (germline): Uncertain significance. Review status: criteria provided, multiple submitters, no conflicts (2 of 4 stars). 2 submissions from 2 submitters: Uncertain significance (2). Last evaluated 2026-09-01.

Submissions (2):

CeGaT Center for Human Genetics Tuebingen
Classification: Uncertain significance. Last evaluated: 2026-09-01. Review status: criteria provided, single submitter. Criteria: CeGaT Center For Human Genetics Tuebingen Variant Classification Criteria Version 2. Collection method: clinical testing. Allele origin: germline. Affected: yes. Observed: 1 variant allele.
Comment: FBXO11: PM2

Labcorp Genetics (formerly Invitae), Labcorp
Classification: Uncertain significance. Last evaluated: 2024-08-31. Review status: criteria provided, single submitter. Criteria: Invitae Variant Classification Sherloc (09022015). Collection method: clinical testing. Allele origin: germline.
Comment: This sequence change replaces proline, which is neutral and non-polar, with threonine, which is neutral and polar, at codon 372 of the FBXO11 protein (p.Pro372Thr). This variant is not present in population databases (gnomAD no frequency). This variant has not been reported in the literature in individuals affected with FBXO11-related conditions. ClinVar contains an entry for this variant (Variation ID: 1434784). An algorithm developed to predict the effect of missense changes on protein structure and function (PolyPhen-2) suggests that this variant is likely to be disruptive. In summary, the available evidence is currently insufficient to determine the role of this variant in disease. Therefore, it has been classified as a Variant of Uncertain Significance.

NM_001190274.2(FBXO11):c.1114C>A (p.Pro372Thr)

Gene: FBXO11 (F-box protein 11; minus strand). Cytogenetic location: 2p16.3.
Variant type: single nucleotide variant.
Coding change: c.1114C>A on transcript NM_001190274.2 (MANE Select); coding-DNA position 1114, C replaced by A.
Protein change: p.Pro372Thr; replaces proline 372 with threonine.
Molecular consequence: missense variant.
Genome position (GRCh38, 1-based): chr2:47,832,808, G>T on the plus strand (C>A on the coding strand, the complement: FBXO11 is on the minus strand). VCF-style: chr2-47832808-G-T. GRCh37 (hg19) VCF-style: chr2-48059947-G-T.
Other names: c.862C>A, p.Pro288Thr (NM_001374325.1, NM_025133.4); short protein forms P288T, P372T.
Identifiers: ClinVar variation 1434784 (VCV001434784.9), dbSNP rs2104810562, ClinGen allele CA346765822.